The following is an entry in ClinVar:

NM_001303256.3(MORC2):c.2213G>A (p.Arg738Gln)

Gene: MORC2 (MORC family CW-type zinc finger 2; minus strand). Cytogenetic location: 22q12.2.
Variant type: single nucleotide variant.
Coding change: c.2213G>A on transcript NM_001303256.3 (MANE Select); coding-DNA position 2213, G replaced by A.
Protein change: p.Arg738Gln; replaces arginine 738 with glutamine.
Molecular consequence: missense variant.
Genome position (GRCh38, 1-based): chr22:30,934,172, C>T on the plus strand (G>A on the coding strand, the complement: MORC2 is on the minus strand). VCF-style: chr22-30934172-C-T. GRCh37 (hg19) VCF-style: chr22-31330159-C-T.
Other names: c.2213G>A, p.Arg738Gln (NM_001303257.2); c.2027G>A, p.Arg676Gln (NM_014941.3); short protein forms R676Q, R738Q.
Identifiers: ClinVar variation 2727316 (VCV002727316.3), dbSNP rs761740534, ClinGen allele CA10186734.

ClinVar aggregate classification (germline): Uncertain significance (1 of 4 stars; one submission).

Conditions:
Charcot-Marie-Tooth disease axonal type 2Z. Also called: CHARCOT-MARIE-TOOTH DISEASE, AXONAL, AUTOSOMAL DOMINANT, TYPE 2Z; CHARCOT-MARIE-TOOTH NEUROPATHY, TYPE 2Z. Identifiers: Orphanet 466768, MedGen C5569025, MONDO:0014736, OMIM 616688.

Allele frequency attached by ClinVar (database versions not stated): gnomAD exomes below 0.00001; ExAC 0.00001.
gnomAD v4.1: 3 of 1,614,130 alleles (0.00019%); highest among the groups gnomAD compares: Non-Finnish European, 0.00025%; no homozygotes.

Submission:

Labcorp Genetics (formerly Invitae), Labcorp
Classification: Uncertain significance for Charcot-Marie-Tooth disease axonal type 2Z. Last evaluated: 2023-11-15. Review status: criteria provided, single submitter. Criteria: Invitae Variant Classification Sherloc (09022015). Collection method: clinical testing. Allele origin: germline.
Comment: This sequence change replaces arginine, which is basic and polar, with glutamine, which is neutral and polar, at codon 738 of the MORC2 protein (p.Arg738Gln). This variant is not present in population databases (gnomAD no frequency). This variant has not been reported in the literature in individuals affected with MORC2-related conditions. Advanced modeling of protein sequence and biophysical properties (such as structural, functional, and spatial information, amino acid conservation, physicochemical variation, residue mobility, and thermodynamic stability) has been performed at Invitae for this missense variant, however the output from this modeling did not meet the statistical confidence thresholds required to predict the impact of this variant on MORC2 protein function. In summary, the available evidence is currently insufficient to determine the role of this variant in disease. Therefore, it has been classified as a Variant of Uncertain Significance.